The following is an entry in ClinVar:

ClinVar aggregate classification (germline): Likely benign. Review status: criteria provided, single submitter (1 of 4 stars). 2 submissions from 2 submitters: Likely benign (1). 1 of the submissions does not count toward it. Last evaluated 2025-11-28.

Conditions:
KRT71-related disorder. Also called: KRT71-related condition.

Allele frequency attached by ClinVar (database versions not stated): gnomAD 0.00360; ESP Exome Variant Server 0.00384; TOPMed 0.00414; ExAC 0.00424; 1000 Genomes Project 0.00200; 1000 Genomes Project 30x 0.00234.
gnomAD v4.1: 8,873 of 1,613,508 alleles (0.55%); highest among the groups gnomAD compares: Non-Finnish European, 0.68%; 33 homozygotes.

Submissions (2):

Labcorp Genetics (formerly Invitae), Labcorp
Classification: Likely benign. Last evaluated: 2025-11-28. Review status: criteria provided, single submitter. Criteria: Invitae Variant Classification Sherloc (09022015). Collection method: clinical testing. Allele origin: germline.

PreventionGenetics, part of Exact Sciences
Classification: Benign for KRT71-related condition. Last evaluated: 2019-07-30. Review status: no assertion criteria provided. Collection method: clinical testing. Allele origin: germline. Not counted in ClinVar's aggregate classification.
Comment: This variant is classified as benign based on ACMG/AMP sequence variant interpretation guidelines (Richards et al. 2015 PMID: 25741868, with internal and published modifications).

NM_033448.3(KRT71):c.1414G>T (p.Val472Phe)

Gene: KRT71 (keratin 71; minus strand). Cytogenetic location: 12q13.13.
Variant type: single nucleotide variant.
Coding change: c.1414G>T on transcript NM_033448.3 (MANE Select); coding-DNA position 1414, G replaced by T.
Protein change: p.Val472Phe; replaces valine 472 with phenylalanine.
Molecular consequence: missense variant.
Genome position (GRCh38, 1-based): chr12:52,544,690, C>A on the plus strand (G>T on the coding strand, the complement: KRT71 is on the minus strand). VCF-style: chr12-52544690-C-A. GRCh37 (hg19) VCF-style: chr12-52938474-C-A.
Other names: short protein forms V472F.
Identifiers: ClinVar variation 771895 (VCV000771895.10), dbSNP rs144618122, ClinGen allele CA6583048.